The following is an entry in ClinVar:

NM_004304.5(ALK):c.3836+1G>A

Gene: ALK (ALK receptor tyrosine kinase; minus strand). Cytogenetic location: 2p23.2.
Variant type: single nucleotide variant.
Coding change: c.3836+1G>A on transcript NM_004304.5 (MANE Select); the canonical splice donor site of the intron after coding-DNA position 3836, G replaced by A.
Molecular consequence: splice donor variant.
Genome position (GRCh38, 1-based): chr2:29,209,785, C>T on the plus strand (G>A on the coding strand, the complement: ALK is on the minus strand). VCF-style: chr2-29209785-C-T. GRCh37 (hg19) VCF-style: chr2-29432651-C-T.
Other names: c.632+1G>A (NM_001353765.2).
Identifiers: ClinVar variation 3711841 (VCV003711841.2).

ClinVar aggregate classification (germline): Uncertain significance (1 of 4 stars; one submission).

Conditions:
Neuroblastoma, susceptibility to, 3. Also called: ALK-Related Neuroblastic Tumor Susceptibility. Identifiers: Orphanet 635, MedGen C2751681, MONDO:0013083, OMIM 613014.

Submission:

Labcorp Genetics (formerly Invitae), Labcorp
Classification: Uncertain significance for Neuroblastoma, susceptibility to, 3. Last evaluated: 2024-02-27. Review status: criteria provided, single submitter. Criteria: Invitae Variant Classification Sherloc (09022015). Collection method: clinical testing. Allele origin: germline.
Comment: This sequence change affects a donor splice site in intron 25 of the ALK gene. It is expected to disrupt RNA splicing. Variants that disrupt the donor or acceptor splice site typically lead to a loss of protein function (PMID: 16199547), however the current clinical and genetic evidence is not sufficient to establish whether loss-of-function variants in ALK cause disease. This variant is not present in population databases (gnomAD no frequency). This variant has not been reported in the literature in individuals affected with ALK-related conditions. Algorithms developed to predict the effect of sequence changes on RNA splicing suggest that this variant may disrupt the consensus splice site. In summary, the available evidence is currently insufficient to determine the role of this variant in disease. Therefore, it has been classified as a Variant of Uncertain Significance.

Literature cited by the submitters: PubMed 16199547.